The following is an entry in ClinVar:

NM_000540.3(RYR1):c.479A>G (p.Glu160Gly)

Gene: RYR1 (ryanodine receptor 1; plus strand). Cytogenetic location: 19q13.2.
Variant type: single nucleotide variant.
Coding change: c.479A>G on transcript NM_000540.3 (MANE Select); coding-DNA position 479, A replaced by G.
Protein change: p.Glu160Gly; replaces glutamic acid 160 with glycine.
Molecular consequence: missense variant.
Genome position (GRCh38, 1-based): chr19:38,444,203, A>G. VCF-style: chr19-38444203-A-G. GRCh37 (hg19) VCF-style: chr19-38934843-A-G.
Other names: NM_000540.2(RYR1):c.479A>G; c.479A>G, p.Glu160Gly (NM_001042723.2); short protein forms E160G.
Identifiers: ClinVar variation 133136 (VCV000133136.11), dbSNP rs193922752, ClinGen allele CA024462.

ClinVar aggregate classification (germline): Uncertain significance. Review status: reviewed by expert panel (3 of 4 stars). 3 submissions from 3 submitters: Uncertain significance (1). 2 of the submissions do not count toward it. Last evaluated 2025-08-01.

Conditions:
RYR1-related disorder. Also called: RYR1-related disorders; RYR1-related condition. Identifiers: MedGen CN239331.
Malignant hyperthermia, susceptibility to, 1 (MHS1). Also called: RYR1-Related Malignant Hyperthermia Susceptibility; Malignant hyperthermia suceptibility 1; Anesthesia related hyperthermia; Malignant hyperpyrexia; Fulminating hyperpyrexia; Pharmacogenic myopathy. Identifiers: Orphanet 423, MedGen C2930980, MONDO:0007783, OMIM 145600.

Submissions (3):

ClinGen Malignant Hyperthermia Susceptibility Variant Curation Expert Panel, ClinGen
Classification: Uncertain significance for Malignant hyperthermia, susceptibility to, 1. Last evaluated: 2025-08-01. Review status: reviewed by expert panel. Criteria: ClinGen MHS ACMG Specifications V2. Collection method: curation. Allele origin: germline. Inheritance: Autosomal dominant inheritance. Study: ClinGen.
Comment: This pathogenicity assessment is relevant only for malignant hyperthermia susceptibility (MHS) inherited in an autosomal dominant pattern. Variants in RYR1 can also cause other myopathies inherited in an autosomal dominant pattern or in an autosomal recessive pattern. Some of these disorders may predispose individuals to malignant hyperthermia. RYR1 variants may also contribute to a malignant hyperthermia reaction in combination with other genetic and non-genetic factors and the clinician needs to consider such factors in making management decisions. This sequence variant predicts a substitution of glutamic acid with glycine at codon 160 of the RYR1 protein, p.(Glu160Gly). This variant was not present in a large population database (gnomAD) at the time it was interpreted. This variant has been reported in an individual who has a personal or family history of a malignant hyperthermia reaction, this individual had a positive in vitro contracture test (IVCT) or caffeine halothane contracture test (CHCT) result (if the proband was unavailable for testing, a positive diagnostic test result in a mutation-positive relative was counted), PS4_Supporting (PMID:30236257). No functional studies were identified for this variant. This variant resides in a region of RYR1 considered to be a hotspot for pathogenic variants that contribute to MHS, PM1 (PMID: 21118704). A REVEL score >0.85 (0.957) supports a pathogenic status for this variant, PP3_Moderate. Using Bayes to combine criteria this variant is assessed as a Variant of Uncertain Significance, (PMID: 29300386). Criteria implemented: PS4_Supporting, PM1, PP3_Moderate.

Labcorp Genetics (formerly Invitae), Labcorp
Classification: Pathogenic for RYR1-related disorder. Last evaluated: 2022-02-10. Review status: criteria provided, single submitter. Criteria: Invitae Variant Classification Sherloc (09022015). Collection method: clinical testing. Allele origin: germline. Not counted in ClinVar's aggregate classification.
Comment: For these reasons, this variant has been classified as Pathogenic. Advanced modeling of protein sequence and biophysical properties (such as structural, functional, and spatial information, amino acid conservation, physicochemical variation, residue mobility, and thermodynamic stability) performed at Invitae indicates that this missense variant is expected to disrupt RYR1 protein function. ClinVar contains an entry for this variant (Variation ID: 133136). This missense change has been observed in individuals with central core disease and/or malignant hyperthermia susceptibility (PMID: 14985404, 21674524, 30236257; Invitae). This variant is not present in population databases (gnomAD no frequency). This sequence change replaces glutamic acid, which is acidic and polar, with glycine, which is neutral and non-polar, at codon 160 of the RYR1 protein (p.Glu160Gly).

RYR1 database
No classification provided. Review status: no classification provided. Collection method: not provided. Allele origin: unknown. Not counted in ClinVar's aggregate classification.

Literature cited by the submitters: PubMed 14985404 (cited by Labcorp Genetics (formerly Invitae), Labcorp); PubMed 21674524 (cited by Labcorp Genetics (formerly Invitae), Labcorp); PubMed 30236257 (cited by Labcorp Genetics (formerly Invitae), Labcorp).